The following is an entry in ClinVar:

NM_000516.7(GNAS):c.402G>A (p.Val134=)

Gene: GNAS (GNAS complex locus; plus strand). Cytogenetic location: 20q13.32.
Variant type: single nucleotide variant.
Coding change: c.402G>A on transcript NM_000516.7 (MANE Select); coding-DNA position 402, G replaced by A.
Protein change: p.Val134=; no amino-acid change (valine 134 retained).
Molecular consequence: synonymous variant. On other transcripts: 3 prime UTR variant (2).
Genome position (GRCh38, 1-based): chr20:58,903,761, G>A. VCF-style: chr20-58903761-G-A. GRCh37 (hg19) VCF-style: chr20-57478816-G-A.
Other names: c.405G>A, p.Val135= (NM_001077488.5); c.357G>A, p.Val119= (NM_001077489.4); c.*263G>A (NM_001077490.3); c.225G>A, p.Val75= (NM_001309840.2, NM_001309861.2); c.306G>A, p.Val102= (NM_001410912.1); c.2286G>A, p.Val762= (NM_001410913.1); c.*308G>A (NM_016592.5); c.2331G>A, p.Val777= (NM_080425.4); and 1 more.
Identifiers: ClinVar variation 3031053 (VCV003031053.3), dbSNP rs1439301964, ClinGen allele CA511084799.
Genomic context (GRCh38, chr20:58,903,761, plus strand): 5'-GCCCCCCGTGGAGCTGGCCAACCCCGAGAACCAGTTCAGAGTGGACTACATCCTGAGTGT[G>A]ATGAACGTGCCTGACTTTGACTTCCCTCCCGTAAGCTACACCCCGACTTGTGTGGCCTTA-3'
Protein context (NP_000507.1, residues 124-144): NQFRVDYILS[Val134=]MNVPDFDFPP

ClinVar aggregate classification (germline): Likely benign. Review status: criteria provided, single submitter (1 of 4 stars). 2 submissions from 2 submitters: Likely benign (1). 1 of the submissions does not count toward it. Last evaluated 2026-01-06.

Conditions:
GNAS-related disorder. Identifiers: MedGen CN380105.

Allele frequency attached by ClinVar (database versions not stated): gnomAD exomes below 0.00001.
gnomAD v4.1: 2 of 1,613,930 alleles (0.00012%); highest among the groups gnomAD compares: Admixed American, 0.0033%; no homozygotes.

Submissions (2):

Labcorp Genetics (formerly Invitae), Labcorp
Classification: Likely benign. Last evaluated: 2026-01-06. Review status: criteria provided, single submitter. Criteria: Invitae Variant Classification Sherloc (09022015). Collection method: clinical testing. Allele origin: germline.

PreventionGenetics, part of Exact Sciences
Classification: Likely benign for GNAS-related condition. Last evaluated: 2021-03-19. Review status: no assertion criteria provided. Collection method: clinical testing. Allele origin: germline. Not counted in ClinVar's aggregate classification.
Comment: This variant is classified as likely benign based on ACMG/AMP sequence variant interpretation guidelines (Richards et al. 2015 PMID: 25741868, with internal and published modifications).